The following is an entry in ClinVar:

ClinVar aggregate classification (germline): Benign/Likely benign. Review status: criteria provided, multiple submitters, no conflicts (2 of 4 stars). 7 submissions from 7 submitters: Benign (2); Likely benign (5). Last evaluated 2026-07-01.

Conditions:
Fanconi anemia (FA). Also called: Fanconi's anemia. Identifiers: Orphanet 84, MedGen C0015625, MeSH D005199, MONDO:0019391.
Fanconi anemia complementation group I (FANCI). Also called: FANCI-Related Fanconi Anemia. Identifiers: Orphanet 84, MedGen C1836861, MONDO:0012186, OMIM 609053.

Allele frequency attached by ClinVar (database versions not stated): TOPMed 0.00117; gnomAD exomes 0.00195 and 0.00459; gnomAD 0.00251 and 0.00269; 1000 Genomes Project 30x 0.00297; 1000 Genomes Project 0.00379; ExAC 0.00449.
gnomAD v4.1: 3,160 of 1,551,968 alleles (0.2%); highest among the groups gnomAD compares: East Asian, 1.4%; 36 homozygotes.

Submissions (7):

CeGaT Center for Human Genetics Tuebingen
Classification: Likely benign. Last evaluated: 2026-07-01. Review status: criteria provided, single submitter. Criteria: CeGaT Center For Human Genetics Tuebingen Variant Classification Criteria Version 2. Collection method: clinical testing. Allele origin: germline. Affected: yes. Observed: 12 variant alleles.
Comment: FANCI: BP4

Labcorp Genetics (formerly Invitae), Labcorp
Classification: Benign for Fanconi anemia. Last evaluated: 2026-02-01. Review status: criteria provided, single submitter. Criteria: Invitae Variant Classification Sherloc (09022015). Collection method: clinical testing. Allele origin: germline.

Blueprint Genetics
Classification: Likely benign. Last evaluated: 2024-11-13. Review status: criteria provided, single submitter. Criteria: ACMG Guidelines, 2015. Collection method: clinical testing. Allele origin: germline.

Genetic Services Laboratory, University of Chicago
Classification: Benign. Last evaluated: 2018-03-16. Review status: criteria provided, single submitter. Criteria: ACMG Guidelines, 2015. Collection method: clinical testing. Allele origin: germline. Affected: no.

Illumina Laboratory Services, Illumina
Classification: Likely benign for Fanconi anemia complementation group I. Last evaluated: 2018-01-13. Review status: criteria provided, single submitter. Criteria: ICSL Variant Classification Criteria 13 December 2019. Collection method: clinical testing. Allele origin: germline.
Comment: This variant was observed in the ICSL laboratory as part of a predisposition screen in an ostensibly healthy population. It had not been previously curated by ICSL or reported in the Human Gene Mutation Database (HGMD: prior to June 1st, 2018), and was therefore a candidate for classification through an automated scoring system. Utilizing variant allele frequency, disease prevalence and penetrance estimates, and inheritance mode, an automated score was calculated to assess if this variant is too frequent to cause the disease. Based on the score and internal cut-off values, a variant classified as likely benign is not then subjected to further curation. The score for this variant resulted in a classification of likely benign for this disease.

Center for Pediatric Genomic Medicine, Children's Mercy Hospital and Clinics
Classification: Likely benign. Last evaluated: 2017-01-11. Review status: criteria provided, single submitter. Criteria: ACMG Guidelines, 2015. Collection method: clinical testing. Allele origin: germline.
ClinVar note: Converted during submission from Likely Benign to Likely benign.

Breakthrough Genomics
Classification: Likely benign. Review status: criteria provided, single submitter. Criteria: ACMG Guidelines, 2015. Collection method: not provided. Allele origin: germline. Inheritance: Autosomal recessive inheritance. Affected: yes.

NM_001113378.2(FANCI):c.2604A>C (p.Glu868Asp)

Gene: FANCI (FA complementation group I; plus strand). Cytogenetic location: 15q26.1.
Variant type: single nucleotide variant.
Coding change: c.2604A>C on transcript NM_001113378.2 (MANE Select); coding-DNA position 2604, A replaced by C.
Protein change: p.Glu868Asp; replaces glutamic acid 868 with aspartic acid.
Molecular consequence: missense variant. On other transcripts: intron variant (1).
Genome position (GRCh38, 1-based): chr15:89,295,062, A>C. VCF-style: chr15-89295062-A-C. GRCh37 (hg19) VCF-style: chr15-89838293-A-C.
Other names: c.2325A>C, p.Glu775Asp (NM_001376910.1); c.2604A>C, p.Glu868Asp (NM_001376911.1); c.2456+1065A>C (NM_018193.3); short protein forms E868D, E775D.
Identifiers: ClinVar variation 238317 (VCV000238317.46), dbSNP rs118031800, ClinGen allele CA7723410.
Genomic context (GRCh38, chr15:89,295,062, plus strand): 5'-GAAAGTACAGCAGCTAAAGGAAACAGGGCATGTGAGTGGCCCTGATGGCCAAAACCCAGA[A>C]AAGATCTTTCAGAACCTCTGTGACATAACTCGGTAAGCCACTCCCACCCCTTAGAAACTT-3'
Protein context (NP_001106849.1, residues 858-878): HVSGPDGQNP[Glu868Asp]KIFQNLCDIT